The following is an entry in ClinVar:

ClinVar aggregate classification (germline): Likely benign. Review status: criteria provided, single submitter (1 of 4 stars). 2 submissions from 2 submitters: Likely benign (1). 1 of the submissions does not count toward it. Last evaluated 2025-07-07.

Conditions:
ZNF341-related disorder. Also called: ZNF341-related condition.

Allele frequency attached by ClinVar (database versions not stated): ExAC 0.00001; gnomAD exomes 0.00001; gnomAD 0.00003.

Submissions (2):

Labcorp Genetics (formerly Invitae), Labcorp
Classification: Likely benign. Last evaluated: 2025-07-07. Review status: criteria provided, single submitter. Criteria: Invitae Variant Classification Sherloc (09022015). Collection method: clinical testing. Allele origin: germline.

PreventionGenetics, part of Exact Sciences
Classification: Likely benign for ZNF341-related condition. Last evaluated: 2023-07-12. Review status: no assertion criteria provided. Collection method: clinical testing. Allele origin: germline. Not counted in ClinVar's aggregate classification.
Comment: This variant is classified as likely benign based on ACMG/AMP sequence variant interpretation guidelines (Richards et al. 2015 PMID: 25741868, with internal and published modifications).

NM_001282933.2(ZNF341):c.2259C>T (p.Pro753=)

Genes: ZNF341 (zinc finger protein 341; plus strand), ZNF341-AS1 (ZNF341 antisense RNA 1; minus strand). Cytogenetic location: 20q11.22.
Variant type: single nucleotide variant.
Coding change: c.2259C>T on transcript NM_001282933.2 (MANE Select); coding-DNA position 2259, C replaced by T.
Protein change: p.Pro753=; no amino-acid change (proline 753 retained).
Molecular consequence: synonymous variant. On other transcripts: non-coding transcript variant (1).
Genome position (GRCh38, 1-based): chr20:33,791,211, C>T. VCF-style: chr20-33791211-C-T. GRCh37 (hg19) VCF-style: chr20-32379017-C-T.
Other names: c.1989C>T, p.Pro663= (NM_001282935.2); c.2238C>T, p.Pro746= (NM_032819.5); c.2259C>T (NM_001282933.1).
Identifiers: ClinVar variation 1611285 (VCV001611285.10), dbSNP rs763937175, ClinGen allele CA9819758.